The following is an entry in ClinVar:

NM_003630.3(PEX3):c.288-1G>A

Gene: PEX3 (peroxisomal biogenesis factor 3; plus strand). Cytogenetic location: 6q24.2.
Variant type: single nucleotide variant.
Coding change: c.288-1G>A on transcript NM_003630.3 (MANE Select); the canonical splice acceptor site of the intron before coding-DNA position 288, G replaced by A.
Molecular consequence: splice acceptor variant.
Genome position (GRCh38, 1-based): chr6:143,468,121, G>A. VCF-style: chr6-143468121-G-A. GRCh37 (hg19) VCF-style: chr6-143789258-G-A.
Other names: c.288-1G>A (NM_003630.2).
Identifiers: ClinVar variation 597138 (VCV000597138.15), dbSNP rs752904598, ClinGen allele CA4029531.

ClinVar aggregate classification (germline): Pathogenic/Likely pathogenic. Review status: criteria provided, multiple submitters, no conflicts (2 of 4 stars). 5 submissions from 5 submitters: Pathogenic (1); Likely pathogenic (4). Last evaluated 2026-06-15.

Conditions:
PEX3-related disorder. Also called: PEX3-related condition.
Peroxisome biogenesis disorder 10A (Zellweger). Also called: Peroxisome biogenesis disorder 10A. Identifiers: Orphanet 912, MedGen C3553999, MONDO:0013948, OMIM 614882.

Allele frequency attached by ClinVar (database versions not stated): gnomAD exomes 0.00001; ExAC 0.00002; TOPMed 0.00002.
gnomAD v4.1: 14 of 1,531,564 alleles (0.00091%); highest among the groups gnomAD compares: Non-Finnish European, 0.0013%; no homozygotes.

Submissions (5):

PreventionGenetics, part of Exact Sciences
Classification: Likely pathogenic for PEX3-related condition. Last evaluated: 2026-06-15. Review status: criteria provided, single submitter. Criteria: ACMG Guidelines, 2015. Collection method: clinical testing. Allele origin: germline.
Comment: The PEX3 c.288-1G>A variant is predicted to disrupt the AG splice acceptor site and interfere with normal splicing. To our knowledge, this variant has not been reported in the literature. This variant is reported in 0.0018% of alleles in individuals of European (Non-Finnish) descent in gnomAD. Variants that disrupt the consensus splice acceptor site in PEX3 are expected to be pathogenic. This variant is interpreted as likely pathogenic.

Labcorp Genetics (formerly Invitae), Labcorp
Classification: Likely pathogenic. Last evaluated: 2024-05-29. Review status: criteria provided, single submitter. Criteria: Invitae Variant Classification Sherloc (09022015). Collection method: clinical testing. Allele origin: germline.
Comment: This sequence change affects an acceptor splice site in intron 3 of the PEX3 gene. It is expected to disrupt RNA splicing. Variants that disrupt the donor or acceptor splice site typically lead to a loss of protein function (PMID: 16199547), and loss-of-function variants in PEX3 are known to be pathogenic (PMID: 10942428, 21031596). This variant is present in population databases (rs752904598, gnomAD 0.002%). This variant has not been reported in the literature in individuals affected with PEX3-related conditions. ClinVar contains an entry for this variant (Variation ID: 597138). Algorithms developed to predict the effect of sequence changes on RNA splicing suggest that this variant may disrupt the consensus splice site. In summary, the currently available evidence indicates that the variant is pathogenic, but additional data are needed to prove that conclusively. Therefore, this variant has been classified as Likely Pathogenic.

Baylor Genetics
Classification: Likely pathogenic for Peroxisome biogenesis disorder 10A (Zellweger). Last evaluated: 2024-02-22. Review status: criteria provided, single submitter. Criteria: ACMG Guidelines, 2015. Collection method: clinical testing. Allele origin: unknown.

Blueprint Genetics
Classification: Likely pathogenic for PEX3-related disorders. Last evaluated: 2022-07-22. Review status: criteria provided, single submitter. Criteria: ACMG Guidelines, 2015. Collection method: clinical testing. Allele origin: germline. Affected: yes. Observed: 2 variant alleles.

Eurofins Ntd Llc (ga)
Classification: Pathogenic. Last evaluated: 2018-05-08. Review status: criteria provided, single submitter. Criteria: EGL ClinVar v180209 classification definitions. Collection method: clinical testing. Allele origin: germline. Observed: 1 variant allele, 1 heterozygote.

Literature cited by the submitters: PubMed 16199547 (cited by Labcorp Genetics (formerly Invitae), Labcorp); PubMed 10942428 (cited by Labcorp Genetics (formerly Invitae), Labcorp); PubMed 21031596 (cited by Labcorp Genetics (formerly Invitae), Labcorp).